The following is an entry in ClinVar:

NM_000059.4(BRCA2):c.7340A>C (p.Asn2447Thr)

Gene: BRCA2 (BRCA2 DNA repair associated; plus strand). Cytogenetic location: 13q13.1.
Variant type: single nucleotide variant.
Coding change: c.7340A>C on transcript NM_000059.4 (MANE Select); coding-DNA position 7340, A replaced by C.
Protein change: p.Asn2447Thr; replaces asparagine 2447 with threonine.
Molecular consequence: missense variant. On other transcripts: non-coding transcript variant (1).
Genome position (GRCh38, 1-based): chr13:32,355,193, A>C. VCF-style: chr13-32355193-A-C. GRCh37 (hg19) VCF-style: chr13-32929330-A-C.
Other names: c.7244A>C, p.Asn2415Thr (NM_001406719.1); c.7340A>C, p.Asn2447Thr (NM_001406720.1); c.2408A>C, p.Asn803Thr (NM_001406721.1); c.923A>C, p.Asn308Thr (NM_001406722.1); short protein forms N2415T, N2447T, N308T, N803T.
Identifiers: ClinVar variation 2692245 (VCV002692245.2), dbSNP rs763490852, ClinGen allele CA6941081.

ClinVar aggregate classification (germline): Uncertain significance. Review status: criteria provided, single submitter (1 of 4 stars). 2 submissions from 2 submitters: Uncertain significance (1). 1 of the submissions does not count toward it. Last evaluated 2024-07-24.

Conditions:
Hereditary cancer-predisposing syndrome. Also called: Tumor predisposition; Hereditary neoplastic syndrome; Neoplastic Syndromes, Hereditary; Hereditary Cancer Syndrome. Identifiers: Orphanet 140162, MedGen C0027672, MeSH D009386, MONDO:0015356.
Breast-ovarian cancer, familial, susceptibility to, 2 (BROVCA2). Also called: BRCA2 Hereditary Breast and Ovarian Cancer. Identifiers: Orphanet 145, MedGen C2675520, MONDO:0012933, OMIM 612555. Disease mechanism: loss of function.

Allele frequency attached by ClinVar (database versions not stated): gnomAD exomes below 0.00001; ExAC 0.00001.
gnomAD v4.1: 1 of 1,613,798 alleles (0.000062%); highest among the groups gnomAD compares: Non-Finnish European, 0.000085%; no homozygotes.

Submissions (2):

Ambry Genetics
Classification: Uncertain significance for Hereditary cancer-predisposing syndrome. Last evaluated: 2024-07-24. Review status: criteria provided, single submitter. Criteria: Ambry Variant Classification Scheme 2023. Collection method: clinical testing. Allele origin: germline.
Comment: The p.N2447T variant (also known as c.7340A>C), located in coding exon 13 of the BRCA2 gene, results from an A to C substitution at nucleotide position 7340. The asparagine at codon 2447 is replaced by threonine, an amino acid with similar properties. This amino acid position is conserved. In addition, this alteration is predicted to be tolerated by in silico analysis. Based on the available evidence, the clinical significance of this variant remains unclear.

BRCAlab, Lund University
Classification: Uncertain significance for Breast-ovarian cancer, familial, susceptibility to, 2. Last evaluated: 2020-03-02. Review status: no assertion criteria provided. Collection method: clinical testing. Allele origin: germline. Affected: yes. Not counted in ClinVar's aggregate classification.